The following is an entry in ClinVar:

NM_000312.4(PROC):c.*78del

Gene: PROC (protein C, inactivator of coagulation factors Va and VIIIa; plus strand). Cytogenetic location: 2q14.3.
Variant type: Deletion.
Coding change: c.*78del on transcript NM_000312.4 (MANE Select); 78 bases downstream of the stop codon, one base deleted (T; older notation c.*78delT).
Molecular consequence: 3 prime UTR variant.
Genome position (GRCh38, 1-based): chr2:127,429,024, T deleted. VCF-style (leftmost placement, unchanged base first): chr2-127429023-CT-C. GRCh37 (hg19) VCF-style: chr2-128186599-CT-C.
Other names: c.*78del (NM_001375602.1, NM_001375603.1, NM_001375604.1 and 8 more transcripts).
Identifiers: ClinVar variation 3058328 (VCV003058328.2), dbSNP rs997589614, ClinGen allele CA55351722.

ClinVar aggregate classification (germline): Likely benign (0 of 4 stars; one submission).

Conditions:
PROC-related disorder. Also called: PROC-related condition.

Allele frequency attached by ClinVar (database versions not stated): TOPMed below 0.00001; gnomAD 0.00001; gnomAD exomes 0.00001.

Submission:

PreventionGenetics, part of Exact Sciences
Classification: Likely benign for PROC-related condition. Last evaluated: 2019-03-04. Review status: no assertion criteria provided. Collection method: clinical testing. Allele origin: germline.
Comment: This variant is classified as likely benign based on ACMG/AMP sequence variant interpretation guidelines (Richards et al. 2015 PMID: 25741868, with internal and published modifications).